The following is an entry in ClinVar:

ClinVar aggregate classification (germline): Likely benign (0 of 4 stars; one submission).

Conditions:
PCNT-related disorder. Also called: PCNT-related condition.

Submission:

PreventionGenetics, part of Exact Sciences
Classification: Likely benign for PCNT-related condition. Last evaluated: 2022-08-04. Review status: no assertion criteria provided. Collection method: clinical testing. Allele origin: germline.
Comment: This variant is classified as likely benign based on ACMG/AMP sequence variant interpretation guidelines (Richards et al. 2015 PMID: 25741868, with internal and published modifications).

NM_006031.6(PCNT):c.432G>C (p.Gly144=)

Gene: PCNT (pericentrin; plus strand). Cytogenetic location: 21q22.3.
Variant type: single nucleotide variant.
Coding change: c.432G>C on transcript NM_006031.6 (MANE Select); coding-DNA position 432, G replaced by C.
Protein change: p.Gly144=; no amino-acid change (glycine 144 retained).
Molecular consequence: synonymous variant.
Genome position (GRCh38, 1-based): chr21:46,334,561, G>C. VCF-style: chr21-46334561-G-C. GRCh37 (hg19) VCF-style: chr21-47754475-G-C.
Other names: c.78G>C, p.Gly26= (NM_001315529.2).
Identifiers: ClinVar variation 3354531 (VCV003354531.1).